The following is an entry in ClinVar:

NM_000038.6(APC):c.2471C>A (p.Pro824Gln)

Gene: APC (APC regulator of Wnt signaling pathway; plus strand). Cytogenetic location: 5q22.2.
Variant type: single nucleotide variant.
Coding change: c.2471C>A on transcript NM_000038.6 (MANE Select); coding-DNA position 2471, C replaced by A.
Protein change: p.Pro824Gln; replaces proline 824 with glutamine.
Molecular consequence: missense variant. On other transcripts: non-coding transcript variant (2).
Genome position (GRCh38, 1-based): chr5:112,838,065, C>A. VCF-style: chr5-112838065-C-A. GRCh37 (hg19) VCF-style: chr5-112173762-C-A.
Other names: c.2222C>A, p.Pro741Gln (NM_001407456.1, NM_001407457.1, NM_001407454.1 and 1 more transcripts); c.2168C>A, p.Pro723Gln (NM_001407458.1, NM_001407459.1, NM_001407460.1 and 1 more transcripts); c.2084C>A, p.Pro695Gln (NM_001407467.1, NM_001407469.1); c.1622C>A, p.Pro541Gln (NM_001407470.1, NM_001354906.2); c.1319C>A, p.Pro440Gln (NM_001407471.1, NM_001407472.1); c.2471C>A, p.Pro824Gln (NM_001127510.3, NM_001354895.2, NM_001407450.1); c.2417C>A, p.Pro806Gln (NM_001127511.3); c.2525C>A, p.Pro842Gln (NM_001354896.2, NM_001407447.1, NM_001407448.1 and 1 more transcripts); and 11 more; short protein forms P541Q, P765Q, P799Q, P806Q, P842Q, P664Q, P695Q, P698Q.
Identifiers: ClinVar variation 4580873 (VCV004580873.1).
Genomic context (GRCh38, chr5:112,838,065, plus strand): 5'-ATCGACATGATGATAATAGGTCAGACAATTTTAATACTGGCAACATGACTGTCCTTTCAC[C>A]ATATTTGAATACTACAGTGTTACCCAGCTCCTCTTCATCAAGAGGAAGCTTAGATAGTTC-3'
Protein context (NP_000029.2, residues 814-834): FNTGNMTVLS[Pro824Gln]YLNTTVLPSS

ClinVar aggregate classification (germline): Uncertain significance (1 of 4 stars; one submission).

Conditions:
Hereditary cancer-predisposing syndrome. Also called: Neoplastic Syndromes, Hereditary; Tumor predisposition; Hereditary Cancer Syndrome; Hereditary neoplastic syndrome. Identifiers: Orphanet 140162, MedGen C0027672, MeSH D009386, MONDO:0015356.

Submission:

Ambry Genetics
Classification: Uncertain significance for Hereditary cancer-predisposing syndrome. Last evaluated: 2025-10-06. Review status: criteria provided, single submitter. Criteria: Ambry Variant Classification Scheme 2023. Collection method: clinical testing. Allele origin: germline.
Comment: The p.P824Q variant (also known as c.2471C>A), located in coding exon 15 of the APC gene, results from a C to A substitution at nucleotide position 2471. The proline at codon 824 is replaced by glutamine, an amino acid with similar properties. This amino acid position is conserved. In addition, in silico predictors for this gene do not accurately predict pathogenicity. Based on the available evidence, the clinical significance of this variant remains unclear.